The following is an entry in ClinVar:

ClinVar aggregate classification (germline): Uncertain significance. Review status: criteria provided, multiple submitters, no conflicts (2 of 4 stars). 3 submissions from 3 submitters: Uncertain significance (2). 1 of the submissions does not count toward it. Last evaluated 2025-10-10.

Conditions:
Prostate cancer, hereditary, 1 (HPC1). Identifiers: Orphanet 1331, MedGen C4722327, MONDO:0011098, OMIM 601518.
Hereditary cancer-predisposing syndrome. Also called: Neoplastic Syndromes, Hereditary; Tumor predisposition; Hereditary neoplastic syndrome; Hereditary Cancer Syndrome. Identifiers: Orphanet 140162, MedGen C0027672, MeSH D009386, MONDO:0015356.

gnomAD v4.1: 1 of 1,613,212 alleles (0.000062%); highest among the groups gnomAD compares: Middle Eastern, 0.017%; no homozygotes.

Submissions (3):

Ambry Genetics
Classification: Uncertain significance for Hereditary cancer-predisposing syndrome. Last evaluated: 2025-10-10. Review status: criteria provided, single submitter. Criteria: Ambry Variant Classification Scheme 2023. Collection method: clinical testing. Allele origin: germline.
Comment: The p.A39G variant (also known as c.116C>G), located in coding exon 1 of the HOXB13 gene, results from a C to G substitution at nucleotide position 116. The alanine at codon 39 is replaced by glycine, an amino acid with similar properties. This amino acid position is well conserved in available vertebrate species. In addition, this alteration is predicted to be tolerated by in silico analysis. Based on the available evidence, the clinical significance of this variant remains unclear.

Labcorp Genetics (formerly Invitae), Labcorp
Classification: Uncertain significance. Last evaluated: 2024-07-24. Review status: criteria provided, single submitter. Criteria: Invitae Variant Classification Sherloc (09022015). Collection method: clinical testing. Allele origin: germline.
Comment: This sequence change replaces alanine, which is neutral and non-polar, with glycine, which is neutral and non-polar, at codon 39 of the HOXB13 protein (p.Ala39Gly). This variant is not present in population databases (gnomAD no frequency). This variant has not been reported in the literature in individuals affected with HOXB13-related conditions. ClinVar contains an entry for this variant (Variation ID: 690490). An algorithm developed to predict the effect of missense changes on protein structure and function (PolyPhen-2) suggests that this variant is likely to be tolerated. In summary, the available evidence is currently insufficient to determine the role of this variant in disease. Therefore, it has been classified as a Variant of Uncertain Significance.

Laboratory of Virology, Microbiology,  Quality and Medical Biotechnologies, Faculty of Sciences and Techniques - Mohammedia, Hassan II University of Casablanca
Classification: Uncertain significance for Prostate cancer, hereditary, 1. Review status: no assertion criteria provided. Collection method: clinical testing. Allele origin: somatic. Affected: yes. Not counted in ClinVar's aggregate classification.

NM_006361.6(HOXB13):c.116C>G (p.Ala39Gly)

Gene: HOXB13 (homeobox B13; minus strand). Cytogenetic location: 17q21.32.
Variant type: single nucleotide variant.
Coding change: c.116C>G on transcript NM_006361.6 (MANE Select); coding-DNA position 116, C replaced by G.
Protein change: p.Ala39Gly; replaces alanine 39 with glycine.
Molecular consequence: missense variant.
Genome position (GRCh38, 1-based): chr17:48,728,478, G>C on the plus strand (C>G on the coding strand, the complement: HOXB13 is on the minus strand). VCF-style: chr17-48728478-G-C. GRCh37 (hg19) VCF-style: chr17-46805840-G-C.
Other names: short protein forms A39G.
Identifiers: ClinVar variation 690490 (VCV000690490.11), dbSNP rs773491778, ClinGen allele CA400109260.